The following is an entry in ClinVar:

ClinVar aggregate classification (germline): Conflicting classifications of pathogenicity. Review status: criteria provided, conflicting classifications (1 of 4 stars). 5 submissions from 5 submitters: Uncertain significance (2); Likely benign (2). 1 of the submissions does not count toward it. Last evaluated 2026-02-01.

Conditions:
FANCD2-related disorder. Also called: FANCD2-related condition.
Fanconi anemia (FA). Also called: Fanconi's anemia. Identifiers: Orphanet 84, MedGen C0015625, MeSH D005199, MONDO:0019391.

Allele frequency attached by ClinVar (database versions not stated): gnomAD exomes 0.00010 and 0.00026; 1000 Genomes Project 0.00040; 1000 Genomes Project 30x 0.00062; ExAC 0.00071; ESP Exome Variant Server 0.00092; gnomAD 0.00106 and 0.00115; TOPMed 0.00106.
gnomAD v4.1: 312 of 1,572,762 alleles (0.02%); highest among the groups gnomAD compares: African/African-American, 0.38%; no homozygotes.

Submissions (5):

Labcorp Genetics (formerly Invitae), Labcorp
Classification: Likely benign for Fanconi anemia. Last evaluated: 2026-02-01. Review status: criteria provided, single submitter. Criteria: Invitae Variant Classification Sherloc (09022015). Collection method: clinical testing. Allele origin: germline.

GeneDx
Classification: Uncertain significance. Last evaluated: 2024-12-06. Review status: criteria provided, single submitter. Criteria: GeneDx Variant Classification Process June 2021. Collection method: clinical testing. Allele origin: germline. Affected: yes.
Comment: Identified in the presence of a second FANCD2 variant, phase unknown, in a patient with differences of sex development including micropenis and bilateral cryptorchidism (PMID: 36110220); In silico analysis supports that this missense variant has a deleterious effect on protein structure/function; This variant is associated with the following publications: (PMID: 36110220)

Sema4
Classification: Likely benign for Fanconi anemia. Last evaluated: 2021-03-28. Review status: criteria provided, single submitter. Criteria: Sema4 Curation Guidelines. Collection method: curation. Allele origin: germline.

Genomic Diagnostic Laboratory, Division of Genomic Diagnostics, Children's Hospital of Philadelphia
Classification: Uncertain significance. Last evaluated: 2015-08-07. Review status: criteria provided, single submitter. Criteria: DGD Variant Analysis Guidelines. Collection method: clinical testing. Allele origin: unknown.

PreventionGenetics, part of Exact Sciences
Classification: Likely benign for FANCD2-related condition. Last evaluated: 2022-09-23. Review status: no assertion criteria provided. Collection method: clinical testing. Allele origin: germline. Not counted in ClinVar's aggregate classification.
Comment: This variant is classified as likely benign based on ACMG/AMP sequence variant interpretation guidelines (Richards et al. 2015 PMID: 25741868, with internal and published modifications).

NM_001018115.3(FANCD2):c.311T>C (p.Ile104Thr)

Genes: FANCD2 (FA complementation group D2; plus strand), LOC107303338 (3p25 FANCD2 Alu-mediated recombination region; plus strand). Cytogenetic location: 3p25.3.
Variant type: single nucleotide variant.
Coding change: c.311T>C on transcript NM_001018115.3 (MANE Select); coding-DNA position 311, T replaced by C.
Protein change: p.Ile104Thr; replaces isoleucine 104 with threonine.
Molecular consequence: missense variant.
Genome position (GRCh38, 1-based): chr3:10,034,732, T>C. VCF-style: chr3-10034732-T-C. GRCh37 (hg19) VCF-style: chr3-10076416-T-C.
Other names: c.311T>C, p.Ile104Thr (NM_001319984.2, NM_001374253.1, NM_001374254.1 and 2 more transcripts); c.311T>C (NM_001018115.2); short protein forms I104T.
Identifiers: ClinVar variation 241738 (VCV000241738.18), dbSNP rs143936557, ClinGen allele CA2249178.